The following is an entry in ClinVar:

NM_001035.3(RYR2):c.1882A>C (p.Asn628His)

Gene: RYR2 (ryanodine receptor 2; plus strand). Cytogenetic location: 1q43.
Variant type: single nucleotide variant.
Coding change: c.1882A>C on transcript NM_001035.3 (MANE Select); coding-DNA position 1882, A replaced by C.
Protein change: p.Asn628His; replaces asparagine 628 with histidine.
Molecular consequence: missense variant.
Genome position (GRCh38, 1-based): chr1:237,493,008, A>C. VCF-style: chr1-237493008-A-C. GRCh37 (hg19) VCF-style: chr1-237656308-A-C.
Other names: short protein forms N628H.
Identifiers: ClinVar variation 3073541 (VCV003073541.1), dbSNP rs2545802857, ClinGen allele CA345389455.
Genomic context (GRCh38, chr1:237,493,008, plus strand): 5'-TTTCAGGTTCTGGATGTCTTGTGCTCACTCTGTGTTTGCCACGGGGTTGCAGTCCGTTCT[A>C]ACCAGCATCTCATCTGTGACAATCTCCTACCAGGAAGAGACTTGTTATTGCAGACACGTC-3'
Protein context (NP_001026.2, residues 618-638): CVCHGVAVRS[Asn628His]QHLICDNLLP

ClinVar aggregate classification (germline): Uncertain significance (1 of 4 stars; one submission).

Conditions:
Catecholaminergic polymorphic ventricular tachycardia (CVPT). Also called: Catecholamine-induced polymorphic ventricular tachycardia. Identifiers: Orphanet 3286, MedGen C5574922, MONDO:0017990.

Submission:

All of Us Research Program, National Institutes of Health
Classification: Uncertain significance for Catecholaminergic polymorphic ventricular tachycardia. Last evaluated: 2023-10-02. Review status: criteria provided, single submitter. Criteria: ACMG Guidelines, 2015. Collection method: clinical testing. Allele origin: germline. Inheritance: Autosomal dominant inheritance. Observed: 1 variant allele, 1 heterozygote.
Comment: This missense variant replaces asparagine with histidine at codon 628 of the RYR2 protein. Computational prediction suggests that this variant may have deleterious impact on protein structure and function (internally defined REVEL score threshold >= 0.7, PMID: 27666373). To our knowledge, functional studies have not been reported for this variant. This variant has not been reported in individuals affected with RYR2-related disorders in the literature. This variant has not been identified in the general population by the Genome Aggregation Database (gnomAD). The available evidence is insufficient to determine the role of this variant in disease conclusively. Therefore, this variant is classified as a Variant of Uncertain Significance.

This study involves interpretation of variants in research participants for the purpose of population health screening. Participant phenotype was not available at the time of variant classification. Additional details can be found in publication PMID: 35346344, PMCID: PMC8962531